The following is an entry in ClinVar:

NM_001032386.2(SUOX):c.1121del (p.Gly374fs)

Gene: SUOX (sulfite oxidase; plus strand). Cytogenetic location: 12q13.2.
Variant type: Deletion.
Coding change: c.1121del on transcript NM_001032386.2 (MANE Select); coding-DNA position 1121, one base deleted (G; older notation c.1121delG).
Protein change: p.Gly374fs; shifts the reading frame from glycine 374.
Molecular consequence: frameshift variant.
Genome position (GRCh38, 1-based): chr12:56,004,510, G deleted; the last of 3 consecutive G bases (chr12:56,004,508-56,004,510); deleting any one gives the same sequence. VCF-style (leftmost placement, unchanged base first): chr12-56004507-TG-T. GRCh37 (hg19) VCF-style: chr12-56398291-TG-T.
Other names: c.1121del, p.Gly374fs (NM_000456.3, NM_001032387.2); short protein forms G374fs.
Identifiers: ClinVar variation 2779253 (VCV002779253.3), dbSNP rs988221869, ClinGen allele CA237605269.
Genomic context (GRCh38, chr12:56,004,507, plus strand): 5'-ATGGGCAGCCTCTGCCACGTGACCACGGCTTCCCTGTGCGTGTGGTGGTTCCTGGAGTGG[TG>T]GGTGCCCGCCATGTCAAATGGCTGGGCAGAGTGAGTGTGCAGCCAGAGGAAAGTTACAGC-3'

ClinVar aggregate classification (germline): Pathogenic (1 of 4 stars; one submission).

Conditions:
Sulfite oxidase deficiency. Also called: Isolated sulfite oxidase deficiency. Identifiers: Orphanet 833, Orphanet 99731, MedGen C0268624, MONDO:0010089, OMIM 272300, HP:0003643.

Submission:

Labcorp Genetics (formerly Invitae), Labcorp
Classification: Pathogenic for Sulfite oxidase deficiency. Last evaluated: 2023-07-25. Review status: criteria provided, single submitter. Criteria: Invitae Variant Classification Sherloc (09022015). Collection method: clinical testing. Allele origin: germline.
Comment: This sequence change creates a premature translational stop signal (p.Gly374Valfs*11) in the SUOX gene. While this is not anticipated to result in nonsense mediated decay, it is expected to disrupt the last 172 amino acid(s) of the SUOX protein. This variant is present in population databases (no rsID available, gnomAD 0.007%). For these reasons, this variant has been classified as Pathogenic. This variant disrupts a region of the SUOX protein in which other variant(s) (p.Arg529*) have been determined to be pathogenic (PMID: 17940249, 28980090). This suggests that this is a clinically significant region of the protein, and that variants that disrupt it are likely to be disease-causing. This variant has not been reported in the literature in individuals affected with SUOX-related conditions.

Literature cited by the submitters: PubMed 17940249; PubMed 28980090.